The following is an entry in ClinVar:

ClinVar aggregate classification (germline): Uncertain significance (1 of 4 stars; one submission).

Submission:

Labcorp Genetics (formerly Invitae), Labcorp
Classification: Uncertain significance. Last evaluated: 2022-03-31. Review status: criteria provided, single submitter. Criteria: Invitae Variant Classification Sherloc (09022015). Collection method: clinical testing. Allele origin: germline.
Comment: In summary, the available evidence is currently insufficient to determine the role of this variant in disease. Therefore, it has been classified as a Variant of Uncertain Significance. Algorithms developed to predict the effect of missense changes on protein structure and function are either unavailable or do not agree on the potential impact of this missense change (SIFT: "Tolerated"; PolyPhen-2: "Probably Damaging"; Align-GVGD: "Class C0"). This variant has not been reported in the literature in individuals affected with ADGRB2-related conditions. This variant is not present in population databases (gnomAD no frequency). This sequence change replaces tryptophan, which is neutral and slightly polar, with cysteine, which is neutral and slightly polar, at codon 428 of the ADGRB2 protein (p.Trp428Cys).

NM_001364857.2(ADGRB2):c.1284G>C (p.Trp428Cys)

Gene: ADGRB2 (adhesion G protein-coupled receptor B2; minus strand). Cytogenetic location: 1p35.2.
Variant type: single nucleotide variant.
Coding change: c.1284G>C on transcript NM_001364857.2 (MANE Select); coding-DNA position 1284, G replaced by C.
Protein change: p.Trp428Cys; replaces tryptophan 428 with cysteine.
Molecular consequence: missense variant.
Genome position (GRCh38, 1-based): chr1:31,742,186, C>G on the plus strand (G>C on the coding strand, the complement: ADGRB2 is on the minus strand). VCF-style: chr1-31742186-C-G. GRCh37 (hg19) VCF-style: chr1-32207787-C-G.
Other names: c.1284G>C, p.Trp428Cys (NM_001294335.2, NM_001294336.2, NM_001703.2); short protein forms W428C.
Identifiers: ClinVar variation 2117758 (VCV002117758.4), dbSNP rs2524033887, ClinGen allele CA339614274.
Genomic context (GRCh38, chr1:31,742,186, plus strand): 5'-CACGCTGCACTTCCGGCTGCGCTGTTGGGTCCCATTGGCACAGGACGTGGAGCATGGGCC[C>G]CAGGGACCCCATTCTAACCACTGGCCTTCCACTGCATGGGGAGACACAAGCAGGGGTGGC-3'
Protein context (NP_001351786.1, residues 418-438): VEGQWLEWGP[Trp428Cys]GPCSTSCANG